The following is an entry in ClinVar:

NM_000228.3(LAMB3):c.823-1G>A

Gene: LAMB3 (laminin subunit beta 3; minus strand). Cytogenetic location: 1q32.2.
Variant type: single nucleotide variant.
Coding change: c.823-1G>A on transcript NM_000228.3 (MANE Select); the canonical splice acceptor site of the intron before coding-DNA position 823, G replaced by A.
Molecular consequence: splice acceptor variant.
Genome position (GRCh38, 1-based): chr1:209,630,736, C>T on the plus strand (G>A on the coding strand, the complement: LAMB3 is on the minus strand). VCF-style: chr1-209630736-C-T. GRCh37 (hg19) VCF-style: chr1-209804081-C-T.
Other names: c.823-1G>A (NM_001127641.1, NM_001017402.2).
Identifiers: ClinVar variation 1071051 (VCV001071051.15), dbSNP rs778372285, ClinGen allele CA344593909.
Genomic context (GRCh38, chr1:209,630,736, plus strand): 5'-TGCACAGCGCTCACAATTTGGGCCGGCAGTGTTGTGCTGGCAGACACAGACATCGTGGAC[C>T]TGGGAGGGGGACCGTCAGCCATCAGGAGTAATCAACAAAGAAGGGCACCAGGGATGGACC-3'

ClinVar aggregate classification (germline): Pathogenic. Review status: criteria provided, multiple submitters, no conflicts (2 of 4 stars). 3 submissions from 3 submitters: Pathogenic (3). Last evaluated 2023-06-20.

Conditions:
Junctional epidermolysis bullosa. Identifiers: Orphanet 305, MedGen C0079301, MONDO:0017612.

gnomAD v4.1: 12 of 1,613,866 alleles (0.00074%); highest among the groups gnomAD compares: Admixed American, 0.0017%; no homozygotes.

Submissions (3):

Labcorp Genetics (formerly Invitae), Labcorp
Classification: Pathogenic. Last evaluated: 2023-06-20. Review status: criteria provided, single submitter. Criteria: Invitae Variant Classification Sherloc (09022015). Collection method: clinical testing. Allele origin: germline.
Comment: This sequence change affects an acceptor splice site in intron 8 of the LAMB3 gene. It is expected to disrupt RNA splicing. Variants that disrupt the donor or acceptor splice site typically lead to a loss of protein function (PMID: 16199547), and loss-of-function variants in LAMB3 are known to be pathogenic (PMID: 11023379, 16473856). This variant is not present in population databases (gnomAD no frequency). Disruption of this splice site has been observed in individuals with junctional epidermolysis bullosa (PMID: 27480391). ClinVar contains an entry for this variant (Variation ID: 1071051). Algorithms developed to predict the effect of sequence changes on RNA splicing suggest that this variant may disrupt the consensus splice site. For these reasons, this variant has been classified as Pathogenic.

Revvity Omics, Revvity
Classification: Pathogenic. Last evaluated: 2023-02-17. Review status: criteria provided, single submitter. Criteria: ACMG Guidelines, 2015. Collection method: clinical testing. Allele origin: germline.

Myriad Genetics, Inc.
Classification: Pathogenic for Junctional epidermolysis bullosa. Last evaluated: 2021-11-15. Review status: criteria provided, single submitter. Criteria: Myriad Autosomal Dominant, Autosomal Recessive and X-Linked Classification Criteria (2023). Collection method: clinical testing. Allele origin: unknown.
Comment: NM_000228.2(LAMB3):c.823-1G>A is a canonical splice variant classified as pathogenic in the context of junctional epidermolysis bullosa, LAMB3-related. c.823-1G>A has been observed in cases with relevant disease (PMID: 27480391). Functional assessments of this variant are available in the literature (PMID: 27480391). c.823-1G>A has not been observed in population frequency databases. In summary, NM_000228.2(LAMB3):c.823-1G>A is a canonical splice variant in a gene where loss of function is a known mechanism of disease, is predicted to disrupt protein function, and has been observed more frequently in cases with the relevant disease than in healthy populations. Please note: this variant was assessed in the context of healthy population screening.

Literature cited by the submitters: PubMed 16199547 (cited by Labcorp Genetics (formerly Invitae), Labcorp); PubMed 11023379 (cited by Labcorp Genetics (formerly Invitae), Labcorp); PubMed 16473856 (cited by Labcorp Genetics (formerly Invitae), Labcorp); PubMed 27480391 (cited by Labcorp Genetics (formerly Invitae), Labcorp and Myriad Genetics, Inc.).